The following is an entry in ClinVar:

NM_002206.3(ITGA7):c.2136G>C (p.Gln712His)

Genes: ITGA7 (integrin subunit alpha 7; minus strand), LOC126861535 (CDK7 strongly-dependent group 2 enhancer GRCh37_chr12:56087579-56088778; plus strand). Cytogenetic location: 12q13.2.
Variant type: single nucleotide variant.
Coding change: c.2136G>C on transcript NM_002206.3 (MANE Select); coding-DNA position 2136, G replaced by C.
Protein change: p.Gln712His; replaces glutamine 712 with histidine.
Molecular consequence: missense variant.
Genome position (GRCh38, 1-based): chr12:55,694,838, C>G on the plus strand (G>C on the coding strand, the complement: ITGA7 is on the minus strand). VCF-style: chr12-55694838-C-G. GRCh37 (hg19) VCF-style: chr12-56088622-C-G.
Other names: c.2148G>C, p.Gln716His (NM_001144996.2); c.1857G>C, p.Gln619His (NM_001144997.2); c.1809G>C, p.Gln603His (NM_001367993.1); c.792G>C, p.Gln264His (NM_001367994.1); c.2118G>C, p.Gln706His (NM_001374465.1); c.2268G>C, p.Gln756His (NM_001410977.1); c.2130G>C, p.Gln710His (NM_001414029.1); c.2061G>C, p.Gln687His (NM_001414030.1); and 4 more; short protein forms Q619H, Q706H, Q716H, Q603H, Q264H, Q712H, Q756H, Q672H.
Identifiers: ClinVar variation 1364728 (VCV001364728.8), dbSNP rs373231582, ClinGen allele CA237569193.

ClinVar aggregate classification (germline): Uncertain significance (1 of 4 stars; one submission).

Conditions:
Congenital muscular dystrophy due to integrin alpha-7 deficiency. Also called: MYOPATHY, CONGENITAL, DUE TO INTEGRIN ALPHA-7 DEFICIENCY; Congenital muscular dystrophy with integrin alpha-7 deficiency; Muscular dystrophy, congenital, due to ITGA7 deficiency. Identifiers: Orphanet 34520, MedGen C2750786, MONDO:0013177, OMIM 613204.

Allele frequency attached by ClinVar (database versions not stated): gnomAD exomes below 0.00001 and 0.00001; gnomAD 0.00001; TOPMed 0.00002; ESP Exome Variant Server 0.00008.
gnomAD v4.1: 4 of 1,613,966 alleles (0.00025%); highest among the groups gnomAD compares: Non-Finnish European, 0.00034%; no homozygotes.

Submission:

Labcorp Genetics (formerly Invitae), Labcorp
Classification: Uncertain significance for Congenital muscular dystrophy due to integrin alpha-7 deficiency. Last evaluated: 2021-02-25. Review status: criteria provided, single submitter. Criteria: Invitae Variant Classification Sherloc (09022015). Collection method: clinical testing. Allele origin: germline.
Comment: In summary, the available evidence is currently insufficient to determine the role of this variant in disease. Therefore, it has been classified as a Variant of Uncertain Significance. This sequence change replaces glutamine with histidine at codon 712 of the ITGA7 protein (p.Gln712His). The glutamine residue is moderately conserved and there is a small physicochemical difference between glutamine and histidine. This variant is not present in population databases (ExAC no frequency). This variant has not been reported in the literature in individuals with ITGA7-related conditions. Algorithms developed to predict the effect of missense changes on protein structure and function are either unavailable or do not agree on the potential impact of this missense change (SIFT: "Deleterious"; PolyPhen-2: "Probably Damaging"; Align-GVGD: "Class C0").